The following is an entry in ClinVar:

NM_025179.4(PLXNA2):c.1171G>A (p.Val391Ile)

Gene: PLXNA2 (plexin A2; minus strand). Cytogenetic location: 1q32.2.
Variant type: single nucleotide variant.
Coding change: c.1171G>A on transcript NM_025179.4 (MANE Select); coding-DNA position 1171, G replaced by A.
Protein change: p.Val391Ile; replaces valine 391 with isoleucine.
Molecular consequence: missense variant.
Genome position (GRCh38, 1-based): chr1:208,216,752, C>T on the plus strand (G>A on the coding strand, the complement: PLXNA2 is on the minus strand). VCF-style: chr1-208216752-C-T. GRCh37 (hg19) VCF-style: chr1-208390097-C-T.
Other names: short protein forms V391I.
Identifiers: ClinVar variation 2302955 (VCV002302955.5), dbSNP rs765330302, ClinGen allele CA1373960.

ClinVar aggregate classification (germline): Uncertain significance. Review status: criteria provided, multiple submitters, no conflicts (2 of 4 stars). 2 submissions from 2 submitters: Uncertain significance (2). Last evaluated 2025-03-19.

Allele frequency attached by ClinVar (database versions not stated): gnomAD 0.00001; gnomAD exomes 0.00001; ExAC 0.00001.
gnomAD v4.1: 14 of 1,612,972 alleles (0.00087%); highest among the groups gnomAD compares: East Asian, 0.0022%; no homozygotes.

Submissions (2):

Labcorp Genetics (formerly Invitae), Labcorp
Classification: Uncertain significance. Last evaluated: 2025-03-19. Review status: criteria provided, single submitter. Criteria: Invitae Variant Classification Sherloc (09022015). Collection method: clinical testing. Allele origin: germline.
Comment: This sequence change replaces valine, which is neutral and non-polar, with isoleucine, which is neutral and non-polar, at codon 391 of the PLXNA2 protein (p.Val391Ile). The frequency data for this variant in the population databases is considered unreliable, as metrics indicate poor data quality at this position in the gnomAD database. This variant has not been reported in the literature in individuals affected with PLXNA2-related conditions. ClinVar contains an entry for this variant (Variation ID: 2302955). Invitae Evidence Modeling of protein sequence and biophysical properties (such as structural, functional, and spatial information, amino acid conservation, physicochemical variation, residue mobility, and thermodynamic stability) indicates that this missense variant is not expected to disrupt PLXNA2 protein function with a negative predictive value of 80%. In summary, the available evidence is currently insufficient to determine the role of this variant in disease. Therefore, it has been classified as a Variant of Uncertain Significance.

Ambry Genetics
Classification: Uncertain significance. Last evaluated: 2022-07-21. Review status: criteria provided, single submitter. Criteria: Ambry Variant Classification Scheme 2023. Collection method: clinical testing. Allele origin: germline.